The following is an entry in ClinVar:

ClinVar aggregate classification (germline): Likely pathogenic (1 of 4 stars; one submission).

Conditions:
Stickler syndrome. Identifiers: Orphanet 828, MedGen C0265253, MONDO:0019354.

Submission:

Laboratory for Molecular Medicine, Mass General Brigham Personalized Medicine
Classification: Likely pathogenic for Stickler syndrome. Last evaluated: 2018-11-12. Review status: criteria provided, single submitter. Criteria: LMM Criteria. Collection method: clinical testing. Allele origin: germline. Inheritance: Autosomal dominant inheritance. Observed: 1 variant allele.
Comment: The c.1681-2_1681-1delAG variant in COL2A1 has not been previously reported in a ffected individuals and was absent from large population databases. This variant is a deletion of two nucleotides within the canonical splice site (+/- 1,2). Al though additional studies are needed to definitively establish the impact of thi s deletion on splicing, computational tools predict that it shifts the location of the splice site by one base, causing a frameshift that leads to a premature t ermination codon 68 amino acids downstream. This alteration is then predicted to lead to a truncated or absent protein. Loss of function of the COL2A1 gene is a n established disease mechanism in autosomal dominant Stickler syndrome. In summ ary, although additional studies are required to fully establish its clinical si gnificance, the c.1681-2_1681-1delAG variant is likely pathogenic. ACMG/AMP Crit eria applied: PVS1_Strong, PM2.

NM_001844.5(COL2A1):c.1681-2_1681-1del

Gene: COL2A1 (collagen type II alpha 1 chain; minus strand). Cytogenetic location: 12q13.11.
Variant type: Deletion.
Coding change: c.1681-2_1681-1del on transcript NM_001844.5 (MANE Select); the canonical splice acceptor site of the intron before coding-DNA position 1681, 2 bases deleted (AG; older notation c.1681-2_1681-1delAG).
Molecular consequence: splice acceptor variant.
Genome position (GRCh38, 1-based): chr12:47,985,588-47,985,589, CT deleted on the plus strand (AG on the coding strand, the reverse complement: COL2A1 is on the minus strand). VCF-style (leftmost placement, unchanged base first): chr12-47985587-CCT-C. GRCh37 (hg19) VCF-style: chr12-48379370-CCT-C.
Other names: c.1474-2_1474-1del (NM_033150.3).
Identifiers: ClinVar variation 667402 (VCV000667402.4), dbSNP rs1592217071, ClinGen allele CA915948786.